The following is an entry in ClinVar:

NM_005477.3(HCN4):c.3300T>C (p.Thr1100=)

Gene: HCN4 (hyperpolarization activated cyclic nucleotide gated potassium channel 4; minus strand). Cytogenetic location: 15q24.1.
Variant type: single nucleotide variant.
Coding change: c.3300T>C on transcript NM_005477.3 (MANE Select); coding-DNA position 3300, T replaced by C.
Protein change: p.Thr1100=; no amino-acid change (threonine 1100 retained).
Molecular consequence: synonymous variant.
Genome position (GRCh38, 1-based): chr15:73,322,793, A>G on the plus strand (T>C on the coding strand, the complement: HCN4 is on the minus strand). VCF-style: chr15-73322793-A-G. GRCh37 (hg19) VCF-style: chr15-73615134-A-G.
Identifiers: ClinVar variation 1674629 (VCV001674629.31), dbSNP rs2151213924, ClinGen allele CA491477788.

ClinVar aggregate classification (germline): Likely benign. Review status: criteria provided, multiple submitters, no conflicts (2 of 4 stars). 2 submissions from 2 submitters: Likely benign (2). Last evaluated 2023-11-27.

Conditions:
Brugada syndrome 8 (BRGDA8). Identifiers: Orphanet 130, MedGen C2751083, MONDO:0013148, OMIM 613123.

Submissions (2):

Labcorp Genetics (formerly Invitae), Labcorp
Classification: Likely benign for Brugada syndrome 8. Last evaluated: 2023-11-27. Review status: criteria provided, single submitter. Criteria: Invitae Variant Classification Sherloc (09022015). Collection method: clinical testing. Allele origin: germline.

CeGaT Center for Human Genetics Tuebingen
Classification: Likely benign. Last evaluated: 2022-09-01. Review status: criteria provided, single submitter. Criteria: CeGaT Center For Human Genetics Tuebingen Variant Classification Criteria Version 2. Collection method: clinical testing. Allele origin: germline. Affected: yes. Observed: 1 variant allele.
Comment: HCN4: PM2:Supporting, BP4, BP7